The following is an entry in ClinVar:

NM_001371623.1(TCOF1):c.2361A>C (p.Lys787Asn)

Gene: TCOF1 (treacle ribosome biogenesis factor 1; plus strand). Cytogenetic location: 5q32.
Variant type: single nucleotide variant.
Coding change: c.2361A>C on transcript NM_001371623.1 (MANE Select); coding-DNA position 2361, A replaced by C.
Protein change: p.Lys787Asn; replaces lysine 787 with asparagine.
Molecular consequence: missense variant.
Genome position (GRCh38, 1-based): chr5:150,378,925, A>C. VCF-style: chr5-150378925-A-C. GRCh37 (hg19) VCF-style: chr5-149758488-A-C.
Other names: c.2130A>C, p.Lys710Asn (NM_000356.4, NM_001135245.2); c.2361A>C, p.Lys787Asn (NM_001008657.3, NM_001135243.2, NM_001135244.2 and 1 more transcripts); short protein forms K710N, K787N.
Identifiers: ClinVar variation 941529 (VCV000941529.1), dbSNP rs1764401679, ClinGen allele CA361757053.

ClinVar aggregate classification (germline): Uncertain significance (1 of 4 stars; one submission).

Conditions:
Treacher Collins syndrome 1 (TCS1). Also called: TCOF1-Related Treacher Collins Syndrome. Identifiers: Orphanet 861, MedGen CN315775, MONDO:0007944, OMIM 154500.

Submission:

Labcorp Genetics (formerly Invitae), Labcorp
Classification: Uncertain significance for Treacher Collins syndrome 1. Last evaluated: 2019-07-26. Review status: criteria provided, single submitter. Criteria: Invitae Variant Classification Sherloc (09022015). Collection method: clinical testing. Allele origin: germline.
Comment: This sequence change replaces lysine with asparagine at codon 787 of the TCOF1 protein (p.Lys787Asn). The lysine residue is weakly conserved and there is a moderate physicochemical difference between lysine and asparagine. This variant is not present in population databases (ExAC no frequency). This variant has not been reported in the literature in individuals with TCOF1-related conditions. Algorithms developed to predict the effect of missense changes on protein structure and function are either unavailable or do not agree on the potential impact of this missense change (SIFT: "Tolerated"; PolyPhen-2: "Possibly Damaging"; Align-GVGD: "Class C0"). In summary, the available evidence is currently insufficient to determine the role of this variant in disease. Therefore, it has been classified as a Variant of Uncertain Significance.